The following is an entry in ClinVar:

ClinVar aggregate classification (germline): Pathogenic. Review status: criteria provided, single submitter (1 of 4 stars). 2 submissions from 2 submitters: Pathogenic (1). 1 of the submissions does not count toward it. Last evaluated 2025-05-14.

Conditions:
Enhanced S-cone syndrome (ESCS). Identifiers: Orphanet 53540, MedGen C1849394, MONDO:0100288, MONDO:0009989.
Retinitis pigmentosa 37 (RP37). Identifiers: Orphanet 791, MedGen C1970163, MONDO:0012625, OMIM 611131.

Submissions (2):

Myriad Genetics, Inc.
Classification: Pathogenic for ENHANCED S-CONE SYNDROME 1. Last evaluated: 2025-05-14. Review status: criteria provided, single submitter. Criteria: Myriad Autosomal Dominant, Autosomal Recessive and X-Linked Classification Criteria (2023). Collection method: clinical testing. Allele origin: unknown.
Comment: NM_014249.2(NR2E3):c.1034_1038del5(L345*) is a frameshift variant classified as pathogenic in the context of enhanced S-cone syndrome. L345* has been observed in a case with relevant disease (PMID: 18294254). Relevant functional assessments of this variant are not available in the literature. L345* has not been observed in referenced population frequency databases. In summary, NM_014249.2(NR2E3):c.1034_1038del5(L345*) is a frameshift variant in a gene where loss of function is a known mechanism of disease, is predicted to disrupt protein function, and has been observed more frequently in cases with the relevant disease than in healthy populations. Please note: this variant was assessed in the context of healthy population screening.

OMIM
Classification: Pathogenic for RETINITIS PIGMENTOSA 37. Last evaluated: 2008-04-01. Review status: no assertion criteria provided. Collection method: literature only. Allele origin: germline. Not counted in ClinVar's aggregate classification.

Literature cited by the submitters: PubMed 18294254 (cited by Myriad Genetics, Inc. and OMIM).

NM_014249.4(NR2E3):c.1034_1038del (p.Ala344_Leu345insTer)

Gene: NR2E3 (nuclear receptor subfamily 2 group E member 3; plus strand). Cytogenetic location: 15q23.
Variant type: Deletion.
Coding change: c.1034_1038del on transcript NM_014249.4 (MANE Select); coding-DNA positions 1034 to 1038, 5 bases deleted (TGCAG; older notation c.1034_1038delTGCAG).
Protein change: p.Ala344_Leu345insTer.
Molecular consequence: nonsense.
Genome position (GRCh38, 1-based): chr15:71,814,051-71,814,055, TGCAG deleted. VCF-style (leftmost placement, unchanged base first): chr15-71814050-TTGCAG-T. GRCh37 (hg19) VCF-style: chr15-72106391-TTGCAG-T.
Other names: c.1034_1038del, p.Ala344_Leu345insTer (NM_016346.4).
Identifiers: ClinVar variation 5534 (VCV000005534.2), dbSNP rs1567160967, ClinGen allele CA891844160.